The following is an entry in ClinVar:

ClinVar aggregate classification (germline): Uncertain significance (1 of 4 stars; one submission).

Allele frequency attached by ClinVar (database versions not stated): gnomAD exomes below 0.00001 and 0.00001; ExAC 0.00001; gnomAD 0.00001.
gnomAD v4.1: 2 of 1,614,076 alleles (0.00012%); highest among the groups gnomAD compares: East Asian, 0.0045%; no homozygotes.

Submission:

Labcorp Genetics (formerly Invitae), Labcorp
Classification: Uncertain significance. Last evaluated: 2025-01-27. Review status: criteria provided, single submitter. Criteria: Invitae Variant Classification Sherloc (09022015). Collection method: clinical testing. Allele origin: germline.
Comment: This sequence change creates a premature translational stop signal (p.Tyr367*) in the OAS1 gene. While this is not anticipated to result in nonsense mediated decay, it is expected to disrupt the last 34 amino acid(s) of the OAS1 protein. This variant is present in population databases (rs774396349, gnomAD 0.01%). This variant has not been reported in the literature in individuals affected with OAS1-related conditions. ClinVar contains an entry for this variant (Variation ID: 1424845). Experimental studies and prediction algorithms are not available or were not evaluated, and the functional significance of this variant is currently unknown. In summary, the available evidence is currently insufficient to determine the role of this variant in disease. Therefore, it has been classified as a Variant of Uncertain Significance.

NM_016816.4(OAS1):c.1101C>A (p.Tyr367Ter)

Gene: OAS1 (2'-5'-oligoadenylate synthetase 1; plus strand). Cytogenetic location: 12q24.13.
Variant type: single nucleotide variant.
Coding change: c.1101C>A on transcript NM_016816.4 (MANE Select); coding-DNA position 1101, C replaced by A.
Protein change: p.Tyr367Ter; replaces tyrosine 367 with a stop codon.
Molecular consequence: nonsense. On other transcripts: intron variant (2).
Genome position (GRCh38, 1-based): chr12:112,919,451, C>A. VCF-style: chr12-112919451-C-A. GRCh37 (hg19) VCF-style: chr12-113357256-C-A.
Other names: c.1038+1751C>A (NM_001320151.2); c.1039-36C>A (NM_001032409.3); short protein forms Y367*.
Identifiers: ClinVar variation 1424845 (VCV001424845.6), dbSNP rs774396349, ClinGen allele CA6800011.